The following is an entry in ClinVar:

NM_000059.4(BRCA2):c.8048_8049insT (p.Thr2685fs)

Gene: BRCA2 (BRCA2 DNA repair associated; plus strand). Cytogenetic location: 13q13.1.
Variant type: Insertion.
Coding change: c.8048_8049insT on transcript NM_000059.4 (MANE Select); coding-DNA positions 8048 to 8049, T inserted.
Protein change: p.Thr2685fs; shifts the reading frame from threonine 2685.
Molecular consequence: frameshift variant.
Genome position: GRCh38 VCF-style: chr13-32363250-C-CT. GRCh37 (hg19) VCF-style: chr13-32937387-C-CT.
Other names: short protein forms T2685fs.
Identifiers: ClinVar variation 548384 (VCV000548384.1), dbSNP rs1555286967, ClinGen allele CA658823760.

ClinVar aggregate classification (germline): Pathogenic (3 of 4 stars; one submission).

Conditions:
Breast-ovarian cancer, familial, susceptibility to, 2 (BROVCA2). Also called: BRCA2 Hereditary Breast and Ovarian Cancer. Identifiers: Orphanet 145, MedGen C2675520, MONDO:0012933, OMIM 612555. Disease mechanism: loss of function.

Submission:

Evidence-based Network for the Interpretation of Germline Mutant Alleles (ENIGMA)
Classification: Pathogenic for Breast-ovarian cancer, familial, susceptibility to, 2. Last evaluated: 2017-12-15. Review status: reviewed by expert panel. Criteria: ENIGMA BRCA1/2 Classification Criteria (2017-06-29). Collection method: curation. Allele origin: germline. Study: ENIGMA.
Comment: Variant allele predicted to encode a truncated non-functional protein.